The following is an entry in ClinVar:

NM_002691.4(POLD1):c.2616G>A (p.Leu872=)

Gene: POLD1 (DNA polymerase delta 1, catalytic subunit; plus strand). Cytogenetic location: 19q13.33.
Variant type: single nucleotide variant.
Coding change: c.2616G>A on transcript NM_002691.4 (MANE Select); coding-DNA position 2616, G replaced by A.
Protein change: p.Leu872=; no amino-acid change (leucine 872 retained).
Molecular consequence: synonymous variant. On other transcripts: non-coding transcript variant (1).
Genome position (GRCh38, 1-based): chr19:50,415,489, G>A. VCF-style: chr19-50415489-G-A. GRCh37 (hg19) VCF-style: chr19-50918746-G-A.
Other names: c.2616G>A, p.Leu872= (NM_001256849.1); c.2694G>A, p.Leu898= (NM_001308632.1).
Identifiers: ClinVar variation 469279 (VCV000469279.21), dbSNP rs766256332, ClinGen allele CA9596598.

ClinVar aggregate classification (germline): Likely benign. Review status: criteria provided, multiple submitters, no conflicts (2 of 4 stars). 4 submissions from 4 submitters: Likely benign (3). 1 of the submissions does not count toward it. Last evaluated 2026-01-04.

Conditions:
Hereditary cancer-predisposing syndrome. Also called: Neoplastic Syndromes, Hereditary; Hereditary neoplastic syndrome; Tumor predisposition; Hereditary Cancer Syndrome. Identifiers: Orphanet 140162, MedGen C0027672, MeSH D009386, MONDO:0015356.
POLD1-related polyposis and colorectal cancer syndrome (CRCS10). Also called: Colorectal cancer 10; COLORECTAL CANCER, SUSCEPTIBILITY TO, ON CHROMOSOME 19q; Colorectal cancer, susceptibility to, 10. Identifiers: Orphanet 220460, MedGen C2675481, MONDO:0012953, OMIM 612591.
POLD1-related disorder. Also called: POLD1-related condition; POLD1-related disorders.

Allele frequency attached by ClinVar (database versions not stated): ExAC 0.00001; TOPMed 0.00008; gnomAD exomes 0.00001.
gnomAD v4.1: 22 of 1,613,226 alleles (0.0014%); highest among the groups gnomAD compares: African/African-American, 0.021%; no homozygotes.

Submissions (4):

Labcorp Genetics (formerly Invitae), Labcorp
Classification: Likely benign for POLD1-related polyposis and colorectal cancer syndrome. Last evaluated: 2026-01-04. Review status: criteria provided, single submitter. Criteria: Invitae Variant Classification Sherloc (09022015). Collection method: clinical testing. Allele origin: germline.

GeneDx
Classification: Likely benign. Last evaluated: 2021-04-25. Review status: criteria provided, single submitter. Criteria: GeneDx Variant Classification Process June 2021. Collection method: clinical testing. Allele origin: germline. Affected: yes.

Ambry Genetics
Classification: Likely benign for Hereditary cancer-predisposing syndrome. Last evaluated: 2015-09-21. Review status: criteria provided, single submitter. Criteria: Ambry Variant Classification Scheme 2023. Collection method: clinical testing. Allele origin: germline.

PreventionGenetics, part of Exact Sciences
Classification: Likely benign for POLD1-related condition. Last evaluated: 2020-07-24. Review status: no assertion criteria provided. Collection method: clinical testing. Allele origin: germline. Not counted in ClinVar's aggregate classification.
Comment: This variant is classified as likely benign based on ACMG/AMP sequence variant interpretation guidelines (Richards et al. 2015 PMID: 25741868, with internal and published modifications).